The following is an entry in ClinVar:

ClinVar aggregate classification (germline): Pathogenic/Likely pathogenic. Review status: criteria provided, multiple submitters, no conflicts (2 of 4 stars). 4 submissions from 4 submitters: Pathogenic (3); Likely pathogenic (1). Last evaluated 2023-10-31.

Conditions:
Hereditary breast ovarian cancer syndrome. Also called: Hereditary breast and ovarian cancer syndrome; Hereditary breast and ovarian cancer; Hereditary breast and ovarian cancer syndrome (HBOC); Breast and ovarian cancer; Hereditary breast and/or ovarian cancer syndrome; BRCA1- and BRCA2-Associated Hereditary Breast and Ovarian Cancer. Identifiers: Orphanet 145, MedGen C0677776, MeSH D061325, MONDO:0003582. Disease mechanism: loss of function.
Hereditary cancer-predisposing syndrome. Also called: Neoplastic Syndromes, Hereditary; Tumor predisposition; Hereditary neoplastic syndrome; Hereditary Cancer Syndrome. Identifiers: Orphanet 140162, MedGen C0027672, MeSH D009386, MONDO:0015356.

Submissions (4):

Color Diagnostics, LLC DBA Color Health
Classification: Pathogenic for Hereditary cancer-predisposing syndrome. Last evaluated: 2023-10-31. Review status: criteria provided, single submitter. Criteria: ACMG Guidelines, 2015. Collection method: clinical testing. Allele origin: germline.
Comment: This variant deletes 1 nucleotide in exon 10 of the BRCA1 gene, creating a frameshift and premature translation stop signal. This variant is expected to result in an absent or non-functional protein product. To our knowledge, this variant has not been reported in individuals affected with BRCA1-related disorders in the literature. This variant has not been identified in the general population by the Genome Aggregation Database (gnomAD). Loss of BRCA1 function is a known mechanism of disease. Based on the available evidence, this variant is classified as Pathogenic.

Labcorp Genetics (formerly Invitae), Labcorp
Classification: Pathogenic for Hereditary breast ovarian cancer syndrome. Last evaluated: 2021-04-23. Review status: criteria provided, single submitter. Criteria: Invitae Variant Classification Sherloc (09022015). Collection method: clinical testing. Allele origin: germline.
Comment: For these reasons, this variant has been classified as Pathogenic. This variant has not been reported in the literature in individuals with BRCA1-related conditions. ClinVar contains an entry for this variant (Variation ID: 823814). This variant is not present in population databases (ExAC no frequency). This sequence change creates a premature translational stop signal (p.Ile1159*) in the BRCA1 gene. It is expected to result in an absent or disrupted protein product. Loss-of-function variants in BRCA1 are known to be pathogenic (PMID: 20104584).

Sema4
Classification: Likely pathogenic for Hereditary cancer-predisposing syndrome. Last evaluated: 2021-01-12. Review status: criteria provided, single submitter. Criteria: Sema4 Curation Guidelines. Collection method: curation. Allele origin: germline.
Comment: To the best of our knowledge, the BRCA1 c.3475delA (p.I1159X) variant has not been reported in individuals with BRCA1-related disease. This nonsense variant creates a premature stop codon at residue 1159 of the BRCA1 protein. At this location, this is predicted to cause nonsense-mediated decay and result in an absent protein (loss of function). Loss of function variants in BRCA1 are known to be pathogenic (PMID: 20104584). This variant is not reported in the population database Genome Aggregation Database (PMID: 32461654). Based on the current evidence available, this variant is interpreted as likely pathogenic.

Ambry Genetics
Classification: Pathogenic for Hereditary cancer-predisposing syndrome. Last evaluated: 2017-12-22. Review status: criteria provided, single submitter. Criteria: Ambry Variant Classification Scheme 2023. Collection method: clinical testing. Allele origin: germline.
Comment: The c.3475delA pathogenic mutation, located in coding exon 9 of the BRCA1 gene, results from a deletion of one nucleotide at nucleotide position 3475, causing a translational frameshift with a predicted alternate stop codon (p.I1159*). This alteration is expected to result in loss of function by premature protein truncation or nonsense-mediated mRNA decay. As such, this alteration is interpreted as a disease-causing mutation.

Literature cited by the submitters: PubMed 20104584 (cited by Labcorp Genetics (formerly Invitae), Labcorp and Sema4).

NM_007294.4(BRCA1):c.3475del (p.Glu1158_Ile1159insTer)

Genes: BRCA1 (BRCA1 DNA repair associated; minus strand), LOC126862571 (BRD4-independent group 4 enhancer GRCh37_chr17:41243136-41244335; plus strand). Cytogenetic location: 17q21.31.
Variant type: Deletion.
Coding change: c.3475del on transcript NM_007294.4 (MANE Select); coding-DNA position 3475, one base deleted (A; older notation c.3475delA).
Protein change: p.Glu1158_Ile1159insTer.
Molecular consequence: nonsense. On other transcripts: intron variant (135), frameshift variant (1).
Genome position (GRCh38, 1-based): chr17:43,092,056, T deleted on the plus strand (A on the coding strand, the reverse complement: BRCA1 is on the minus strand); the first of 3 consecutive T bases (chr17:43,092,056-43,092,058); deleting any one gives the same sequence. VCF-style (leftmost placement, unchanged base first): chr17-43092055-AT-A. GRCh37 (hg19) VCF-style: chr17-41244072-AT-A.
Other names: c.3475del, p.Glu1158_Ile1159insTer (NM_001407616.1, NM_001407617.1, NM_001407619.1 and 30 more transcripts); c.3211del, p.Glu1070_Ile1071insTer (NM_001407929.1, NM_001407933.1, NM_001407935.1 and 9 more transcripts); c.707-1024del (NM_001408416.1, NM_001408413.1); c.3208del, p.Glu1069_Ile1070insTer (NM_001407930.1, NM_001407932.1, NM_001407936.1 and 2 more transcripts); c.578-1024del (NM_001408478.1, NM_001408484.1, NM_001408481.1 and 9 more transcripts); c.662-1024del (NM_001408450.1, NM_001408434.1, NM_001408446.1 and 6 more transcripts); c.665-1024del (NM_001408428.1, NM_001408440.1, NM_001408444.1 and 12 more transcripts); c.785-1024del (NM_001408398.1, NM_001407992.1, NM_001408401.1 and 13 more transcripts); and 42 more.
Identifiers: ClinVar variation 823814 (VCV000823814.17), dbSNP rs1555587638, ClinGen allele CA913187824.